The following is an entry in ClinVar:

ClinVar aggregate classification (germline): Uncertain significance (1 of 4 stars; one submission).

Submission:

CeGaT Center for Human Genetics Tuebingen
Classification: Uncertain significance. Last evaluated: 2026-07-01. Review status: criteria provided, single submitter. Criteria: CeGaT Center For Human Genetics Tuebingen Variant Classification Criteria Version 2. Collection method: clinical testing. Allele origin: germline. Affected: yes. Observed: 1 variant allele.
Comment: SGCE: PM2, PP3, PS4:Supporting

NM_003919.3(SGCE):c.1037+3_1037+6del

Genes: CASD1 (CAS1 domain sialic acid O acetyltransferase 1; plus strand), SGCE (sarcoglycan epsilon; minus strand). Cytogenetic location: 7q21.3.
Variant type: Deletion.
Coding change: c.1037+3_1037+6del on transcript NM_003919.3 (MANE Select); bases 3 to 6 of the intron after coding-DNA position 1037, 4 bases deleted (GAGT; older notation c.1037+3_1037+6delGAGT).
Molecular consequence: splice donor variant.
Genome position (GRCh38, 1-based): chr7:94,600,640-94,600,643, ACTC deleted on the plus strand (GAGT on the coding strand, the reverse complement: SGCE is on the minus strand); deleting any 4 consecutive bases within chr7:94,600,640-94,600,645 gives the same sequence; the c. name uses the placement nearest the transcript's 3' end. VCF-style (leftmost placement, unchanged base first): chr7-94600639-TACTC-T. GRCh37 (hg19) VCF-style: chr7-94229951-TACTC-T.
Other names: c.914+3_914+6del (NM_001362809.2, NM_001301139.2); c.1037+3_1037+6del (NM_001346717.2, NM_001099400.2, NM_001099401.2); c.1145+3_1145+6del (NM_001346715.2, NM_001346713.2); c.950+3_950+6del (NM_001362807.2, NM_001346719.2); c.764+3_764+6del (NM_001362808.2, NM_001346720.2).
Identifiers: ClinVar variation 5040311 (VCV005040311.1).